The following is an entry in ClinVar:

NM_000541.5(SAG):c.251G>A (p.Arg84His)

Gene: SAG (S-antigen visual arrestin; plus strand). Cytogenetic location: 2q37.1.
Variant type: single nucleotide variant.
Coding change: c.251G>A on transcript NM_000541.5 (MANE Select); coding-DNA position 251, G replaced by A.
Protein change: p.Arg84His; replaces arginine 84 with histidine.
Molecular consequence: missense variant.
Genome position (GRCh38, 1-based): chr2:233,320,699, G>A. VCF-style: chr2-233320699-G-A. GRCh37 (hg19) VCF-style: chr2-234229345-G-A.
Other names: short protein forms R84H.
Identifiers: ClinVar variation 1924253 (VCV001924253.5), dbSNP rs997097770, ClinGen allele CA67542232.
Genomic context (GRCh38, chr2:233,320,699, plus strand): 5'-CTCTGACCTGCGCCTTCCGCTATGGCCAAGAGGACATTGACGTGATCGGCTTGACCTTCC[G>A]CAGGGACCTGTACTTCTCCCGGGTCCAGGTGTATCCTCCTGTGGGGGCCGCGAGCACCCC-3'
Protein context (NP_000532.2, residues 74-94): EDIDVIGLTF[Arg84His]RDLYFSRVQV

ClinVar aggregate classification (germline): Uncertain significance (1 of 4 stars; one submission).

Allele frequency attached by ClinVar (database versions not stated): gnomAD exomes 0.00001; TOPMed 0.00001; gnomAD 0.00002.

Submission:

Labcorp Genetics (formerly Invitae), Labcorp
Classification: Uncertain significance. Last evaluated: 2025-12-16. Review status: criteria provided, single submitter. Criteria: Invitae Variant Classification Sherloc (09022015). Collection method: clinical testing. Allele origin: germline.
Comment: This sequence change replaces arginine, which is basic and polar, with histidine, which is basic and polar, at codon 84 of the SAG protein (p.Arg84His). The frequency data for this variant in the population databases is considered unreliable, as metrics indicate poor data quality at this position in the gnomAD database. This variant has not been reported in the literature in individuals affected with SAG-related conditions. ClinVar contains an entry for this variant (Variation ID: 1924253). Invitae Evidence Modeling of protein sequence and biophysical properties (such as structural, functional, and spatial information, amino acid conservation, physicochemical variation, residue mobility, and thermodynamic stability) indicates that this missense variant is not expected to disrupt SAG protein function with a negative predictive value of 80%. In summary, the available evidence is currently insufficient to determine the role of this variant in disease. Therefore, it has been classified as a Variant of Uncertain Significance.